The following is an entry in ClinVar:

NM_001287491.2(TET3):c.1288A>G (p.Arg430Gly)

Gene: TET3 (tet methylcytosine dioxygenase 3; plus strand). Cytogenetic location: 2p13.1.
Variant type: single nucleotide variant.
Coding change: c.1288A>G on transcript NM_001287491.2 (MANE Select); coding-DNA position 1288, A replaced by G.
Protein change: p.Arg430Gly; replaces arginine 430 with glycine.
Molecular consequence: missense variant.
Genome position (GRCh38, 1-based): chr2:74,047,205, A>G. VCF-style: chr2-74047205-A-G. GRCh37 (hg19) VCF-style: chr2-74274332-A-G.
Other names: c.1009A>G, p.Arg337Gly (NM_001366022.1); c.883A>G, p.Arg295Gly (NM_144993.1); short protein forms R295G, R337G, R430G.
Identifiers: ClinVar variation 2630973 (VCV002630973.4), dbSNP rs2467434228, ClinGen allele CA347327404.
Genomic context (GRCh38, chr2:74,047,205, plus strand): 5'-CCTCCTGAAGAGCACTCATCTTTTGCTCCTGATAGCTCTGCCTTCCCTCCAGCAACTCCT[A>G]GAACTGAGTTCCCTGAAGCCTGGGGCACTGACACCCCTCCAGCAACGCCCCGGAGCTCCT-3'
Protein context (NP_001274420.1, residues 420-440): DSSAFPPATP[Arg430Gly]TEFPEAWGTD

ClinVar aggregate classification (germline): Uncertain significance. Review status: criteria provided, multiple submitters, no conflicts (2 of 4 stars). 2 submissions from 2 submitters: Uncertain significance (2). Last evaluated 2026-05-14.

Conditions:
TET3-related disorder. Also called: TET3-related condition; TET3-Related Disease.

Allele frequency attached by ClinVar (database versions not stated): gnomAD exomes below 0.00001.
gnomAD v4.1: 2 of 1,613,968 alleles (0.00012%); highest among the groups gnomAD compares: Non-Finnish European, 0.00017%; no homozygotes.

Submissions (2):

GeneDx
Classification: Uncertain significance. Last evaluated: 2026-05-14. Review status: criteria provided, single submitter. Criteria: GeneDx Variant Classification Process June 2021. Collection method: clinical testing. Allele origin: germline.
Comment: Not observed at significant frequency in large population cohorts (gnomAD); In silico analysis suggests that this missense variant does not alter protein structure/function; Has not been previously published as pathogenic or benign to our knowledge

PreventionGenetics, part of Exact Sciences
Classification: Uncertain significance for TET3-related condition. Last evaluated: 2025-01-09. Review status: criteria provided, single submitter. Criteria: ACMG Guidelines, 2015. Collection method: clinical testing. Allele origin: germline.
Comment: The TET3 c.1288A>G variant is predicted to result in the amino acid substitution p.Arg430Gly. To our knowledge, this variant has not been reported in the literature or in a large population database (gnomAD), indicating this variant is rare. At this time, the clinical significance of this variant is uncertain due to the absence of conclusive functional and genetic evidence.